The following is an entry in ClinVar:

ClinVar aggregate classification (germline): Uncertain significance (1 of 4 stars; one submission).

Conditions:
X-linked Alport syndrome (ATS1). Also called: COL4A5-Related Nephropathy; NEPHROPATHY AND DEAFNESS, X-LINKED. Identifiers: Orphanet 63, Orphanet 88917, MedGen C4746986, MONDO:0010520, OMIM 301050.

Allele frequency attached by ClinVar (database versions not stated): gnomAD exomes 0.00001.
gnomAD v4.1: 6 of 1,209,737 alleles (0.0005%); highest among the groups gnomAD compares: Admixed American, 0.0022%; no homozygotes.

Submission:

MVZ Medizinische Genetik Mainz
Classification: Uncertain significance for X-linked Alport syndrome. Last evaluated: 2023-07-18. Review status: criteria provided, single submitter. Criteria: UK Practice Guidelines For Variant Classification V4 01 2020. Collection method: clinical testing. Allele origin: germline. Inheritance: X-linked dominant inheritance. Affected: yes. Observed: 1 variant allele.
Comment: PP3_MOD,PM2_SUP

NM_033380.3(COL4A5):c.4321C>T (p.Arg1441Cys)

Gene: COL4A5 (collagen type IV alpha 5 chain; plus strand). Cytogenetic location: Xq22.3.
Variant type: single nucleotide variant.
Coding change: c.4321C>T on transcript NM_033380.3 (MANE Select); coding-DNA position 4321, C replaced by T.
Protein change: p.Arg1441Cys; replaces arginine 1441 with cysteine.
Molecular consequence: missense variant.
Genome position (GRCh38, 1-based): chrX:108,687,487, C>T. VCF-style: chrX-108687487-C-T. GRCh37 (hg19) VCF-style: chrX-107930717-C-T.
Other names: c.4303C>T, p.Arg1435Cys (NM_000495.5); short protein forms R1435C, R1441C.
Identifiers: ClinVar variation 3061894 (VCV003061894.1), dbSNP rs1324240604, ClinGen allele CA413853926.
Genomic context (GRCh38, chrX:108,687,487, plus strand): 5'-TAAGAGTGGATCAGAGCTTACTTAATCTTGTATACTGATTATTTCGTGGAAATAGGTACC[C>T]GTGGTTTGGATGGTCCCCCTGGTCCAGATGGATTGCAAGGTCCCCCAGGTCCCCCTGGAA-3'
Protein context (NP_203699.1, residues 1431-1451): DPGLPGQPGT[Arg1441Cys]GLDGPPGPDG